The following is an entry in ClinVar:

NM_001267550.2(TTN):c.48433G>T (p.Glu16145Ter)

Genes: TTN (titin; minus strand), TTN-AS1 (TTN antisense RNA 1; plus strand). Cytogenetic location: 2q31.2.
Variant type: single nucleotide variant.
Coding change: c.48433G>T on transcript NM_001267550.2 (MANE Select); coding-DNA position 48433, G replaced by T.
Protein change: p.Glu16145Ter; replaces glutamic acid 16145 with a stop codon.
Molecular consequence: nonsense.
Genome position (GRCh38, 1-based): chr2:178,615,668, C>A on the plus strand (G>T on the coding strand, the complement: TTN is on the minus strand). VCF-style: chr2-178615668-C-A. GRCh37 (hg19) VCF-style: chr2-179480395-C-A.
Other names: c.43510G>T, p.Glu14504Ter (NM_001256850.1); c.21238G>T, p.Glu7080Ter (NM_003319.4); c.40729G>T, p.Glu13577Ter (NM_133378.4); c.21613G>T, p.Glu7205Ter (NM_133432.3); c.21814G>T, p.Glu7272Ter (NM_133437.4); short protein forms E13577*, E7205*, E7272*, E14504*, E16145*, E7080*.
Identifiers: ClinVar variation 2939510 (VCV002939510.3), dbSNP rs2154206912, ClinGen allele CA349609600.
Genomic context (GRCh38, chr2:178,615,668, plus strand): 5'-GATTAGGTAAGAAATCATCAAGAATGTACTCACTTGCAGGAGTTGACATATTTACAGGTT[C>A]ATCAACATATGCAGGTTCTCCAGGGCCACATTTGTTACGAGCACAAACTTTAAATAAGTA-3'

ClinVar aggregate classification (germline): Likely pathogenic (1 of 4 stars; one submission).

Conditions:
Dilated cardiomyopathy 1G (CMD1G). Identifiers: Orphanet 154, MedGen C1858763, MONDO:0011400, OMIM 604145.
Autosomal recessive limb-girdle muscular dystrophy type 2J (LGMDR10). Also called: Limb-girdle muscular dystrophy, type 2J; MUSCULAR DYSTROPHY, LIMB-GIRDLE, AUTOSOMAL RECESSIVE 10. Identifiers: Orphanet 140922, MedGen C1837342, MONDO:0012127, OMIM 608807.

Submission:

Labcorp Genetics (formerly Invitae), Labcorp
Classification: Likely pathogenic for Dilated cardiomyopathy 1G; Autosomal recessive limb-girdle muscular dystrophy type 2J. Last evaluated: 2023-04-15. Review status: criteria provided, single submitter. Criteria: Invitae Variant Classification Sherloc (09022015). Collection method: clinical testing. Allele origin: germline.
Comment: This sequence change creates a premature translational stop signal (p.Glu16145*) in the TTN gene. While this is not anticipated to result in nonsense mediated decay, it is expected to create a truncated TTN protein. This variant is not present in population databases (gnomAD no frequency). This variant has not been reported in the literature in individuals affected with TTN-related conditions. This variant is located in the A band of TTN (PMID: 25589632). Truncating variants in this region are significantly overrepresented in patients affected with dilated cardiomyopathy (PMID: 25589632). Truncating variants in this region have also been reported in individuals affected with autosomal recessive centronuclear myopathy (PMID: 23975875). In summary, the currently available evidence indicates that the variant is pathogenic, but additional data are needed to prove that conclusively. Therefore, this variant has been classified as Likely Pathogenic.

Literature cited by the submitters: PubMed 25589632; PubMed 23975875.